The following is an entry in ClinVar:

NM_012330.4(KAT6B):c.2685C>T (p.Ser895=)

Gene: KAT6B (lysine acetyltransferase 6B; plus strand). Cytogenetic location: 10q22.2.
Variant type: single nucleotide variant.
Coding change: c.2685C>T on transcript NM_012330.4 (MANE Select); coding-DNA position 2685, C replaced by T.
Protein change: p.Ser895=; no amino-acid change (serine 895 retained).
Molecular consequence: synonymous variant.
Genome position (GRCh38, 1-based): chr10:75,020,637, C>T. VCF-style: chr10-75020637-C-T. GRCh37 (hg19) VCF-style: chr10-76780395-C-T.
Other names: c.2136C>T, p.Ser712= (NM_001256468.2, NM_001370138.1); c.1809C>T, p.Ser603= (NM_001256469.2, NM_001370139.1, NM_001370140.1 and 2 more transcripts); c.1647C>T, p.Ser549= (NM_001370132.1); c.996C>T, p.Ser332= (NM_001370133.1); c.600C>T, p.Ser200= (NM_001370134.1); c.342C>T, p.Ser114= (NM_001370135.1); c.2685C>T, p.Ser895= (NM_001370136.1, NM_001370137.1); c.1620C>T, p.Ser540= (NM_001370143.1, NM_001370144.1).
Identifiers: ClinVar variation 5039097 (VCV005039097.1).

ClinVar aggregate classification (germline): Likely benign (1 of 4 stars; one submission).

gnomAD v4.1: 21 of 1,614,238 alleles (0.0013%); highest among the groups gnomAD compares: African/African-American, 0.0027%; no homozygotes.

Submission:

CeGaT Center for Human Genetics Tuebingen
Classification: Likely benign. Last evaluated: 2026-08-01. Review status: criteria provided, single submitter. Criteria: CeGaT Center For Human Genetics Tuebingen Variant Classification Criteria Version 2. Collection method: clinical testing. Allele origin: germline. Affected: yes. Observed: 1 variant allele.
Comment: KAT6B: BP4, BP7